The following is an entry in ClinVar:

NM_005228.5(EGFR):c.2806C>A (p.Pro936Thr)

Gene: EGFR (epidermal growth factor receptor; plus strand). Cytogenetic location: 7p11.2.
Variant type: single nucleotide variant.
Coding change: c.2806C>A on transcript NM_005228.5 (MANE Select); coding-DNA position 2806, C replaced by A.
Protein change: p.Pro936Thr; replaces proline 936 with threonine.
Molecular consequence: missense variant.
Genome position (GRCh38, 1-based): chr7:55,198,821, C>A. VCF-style: chr7-55198821-C-A. GRCh37 (hg19) VCF-style: chr7-55266514-C-A.
Other names: c.2671C>A, p.Pro891Thr (NM_001346897.2, NM_001346899.2); c.2806C>A, p.Pro936Thr (NM_001346898.2); c.2647C>A, p.Pro883Thr (NM_001346900.2); c.2005C>A, p.Pro669Thr (NM_001346941.2); short protein forms P669T, P883T, P891T, P936T.
Identifiers: ClinVar variation 4870299 (VCV004870299.1).

ClinVar aggregate classification (germline): Uncertain significance (1 of 4 stars; one submission).

Conditions:
Hereditary cancer-predisposing syndrome. Also called: Neoplastic Syndromes, Hereditary; Tumor predisposition; Hereditary Cancer Syndrome; Hereditary neoplastic syndrome. Identifiers: Orphanet 140162, MedGen C0027672, MeSH D009386, MONDO:0015356.

Submission:

Ambry Genetics
Classification: Uncertain significance for Hereditary cancer-predisposing syndrome. Last evaluated: 2026-06-14. Review status: criteria provided, single submitter. Criteria: Ambry Variant Classification Scheme 2023. Collection method: clinical testing. Allele origin: germline.
Comment: The p.P936T variant (also known as c.2806C>A), located in coding exon 23 of the EGFR gene, results from a C to A substitution at nucleotide position 2806. The proline at codon 936 is replaced by threonine, an amino acid with highly similar properties. This amino acid position is conserved. In addition, this alteration is predicted to be deleterious by in silico analysis. Based on the available evidence, the clinical significance of this variant remains unclear.